The following is an entry in ClinVar:

NM_000465.4(BARD1):c.2188C>G (p.Gln730Glu)

Gene: BARD1 (BRCA1 associated RING domain 1; minus strand). Cytogenetic location: 2q35.
Variant type: single nucleotide variant.
Coding change: c.2188C>G on transcript NM_000465.4 (MANE Select); coding-DNA position 2188, C replaced by G.
Protein change: p.Gln730Glu; replaces glutamine 730 with glutamic acid.
Molecular consequence: missense variant. On other transcripts: non-coding transcript variant (3).
Genome position (GRCh38, 1-based): chr2:214,728,822, G>C on the plus strand (C>G on the coding strand, the complement: BARD1 is on the minus strand). VCF-style: chr2-214728822-G-C. GRCh37 (hg19) VCF-style: chr2-215593546-G-C.
Other names: c.2131C>G, p.Gln711Glu (NM_001282543.2); c.835C>G, p.Gln279Glu (NM_001282545.2); c.778C>G, p.Gln260Glu (NM_001282548.2); c.649C>G, p.Gln217Glu (NM_001282549.2); c.2188C>G (NM_000465.2); short protein forms Q730E, Q260E, Q711E, Q279E, Q217E.
Identifiers: ClinVar variation 629204 (VCV000629204.14), dbSNP rs1559372004, ClinGen allele CA350450315.

ClinVar aggregate classification (germline): Uncertain significance. Review status: criteria provided, multiple submitters, no conflicts (2 of 4 stars). 3 submissions from 3 submitters: Uncertain significance (3). Last evaluated 2024-09-04.

Conditions:
Hereditary cancer-predisposing syndrome. Also called: Neoplastic Syndromes, Hereditary; Tumor predisposition; Hereditary neoplastic syndrome; Hereditary Cancer Syndrome. Identifiers: Orphanet 140162, MedGen C0027672, MeSH D009386, MONDO:0015356.
Familial cancer of breast. Also called: BREAST CANCER, FAMILIAL; Hereditary breast cancer; hereditary breast carcinoma. Identifiers: Orphanet 227535, MedGen C0346153, MONDO:0016419, OMIM 114480. Disease mechanism: loss of function.

Allele frequency attached by ClinVar (database versions not stated): gnomAD exomes below 0.00001.
gnomAD v4.1: 1 of 1,614,232 alleles (0.000062%); highest among the groups gnomAD compares: South Asian, 0.0011%; no homozygotes.

Submissions (3):

Color Diagnostics, LLC DBA Color Health
Classification: Uncertain significance for Hereditary cancer-predisposing syndrome. Last evaluated: 2024-09-04. Review status: criteria provided, single submitter. Criteria: ACMG Guidelines, 2015. Collection method: clinical testing. Allele origin: germline.
Comment: This missense variant replaces glutamine with glutamic acid at codon 730 of the BARD1 protein. Computational prediction suggests that this variant may not impact protein structure and function. To our knowledge, functional studies have not been reported for this variant. This variant has not been reported in individuals affected with BARD1-related disorders in the literature. This variant has not been identified in the general population by the Genome Aggregation Database (gnomAD). The available evidence is insufficient to determine the role of this variant in disease conclusively. Therefore, this variant is classified as a Variant of Uncertain Significance.

Ambry Genetics
Classification: Uncertain significance for Hereditary cancer-predisposing syndrome. Last evaluated: 2023-07-09. Review status: criteria provided, single submitter. Criteria: Ambry Variant Classification Scheme 2023. Collection method: clinical testing. Allele origin: germline.
Comment: The p.Q730E variant (also known as c.2188C>G), located in coding exon 11 of the BARD1 gene, results from a C to G substitution at nucleotide position 2188. The glutamine at codon 730 is replaced by glutamic acid, an amino acid with highly similar properties. This amino acid position is conserved. In addition, the in silico prediction for this alteration is inconclusive. Since supporting evidence is limited at this time, the clinical significance of this alteration remains unclear.

Labcorp Genetics (formerly Invitae), Labcorp
Classification: Uncertain significance for Familial cancer of breast. Last evaluated: 2021-10-12. Review status: criteria provided, single submitter. Criteria: Invitae Variant Classification Sherloc (09022015). Collection method: clinical testing. Allele origin: germline.
Comment: This variant is not present in population databases (ExAC no frequency). This sequence change replaces glutamine with glutamic acid at codon 730 of the BARD1 protein (p.Gln730Glu). The glutamine residue is highly conserved and there is a small physicochemical difference between glutamine and glutamic acid. In summary, the available evidence is currently insufficient to determine the role of this variant in disease. Therefore, it has been classified as a Variant of Uncertain Significance. Algorithms developed to predict the effect of missense changes on protein structure and function (SIFT, PolyPhen-2, Align-GVGD) all suggest that this variant is likely to be disruptive. ClinVar contains an entry for this variant (Variation ID: 629204). This variant has not been reported in the literature in individuals affected with BARD1-related conditions.